The following is an entry in ClinVar:

NM_024422.6(DSC2):c.*579T>C

Gene: DSC2 (desmocollin 2; minus strand). Cytogenetic location: 18q12.1.
Variant type: single nucleotide variant.
Coding change: c.*579T>C on transcript NM_024422.6 (MANE Select); 579 bases downstream of the stop codon, T replaced by C.
Molecular consequence: 3 prime UTR variant.
Genome position (GRCh38, 1-based): chr18:31,067,436, A>G on the plus strand (T>C on the coding strand, the complement: DSC2 is on the minus strand). VCF-style: chr18-31067436-A-G. GRCh37 (hg19) VCF-style: chr18-28647402-A-G.
Other names: c.*787T>C (NM_004949.5).
Identifiers: ClinVar variation 326385 (VCV000326385.6), dbSNP rs59914360, ClinGen allele CA10647425.
Genomic context (GRCh38, chr18:31,067,436, plus strand): 5'-TTAAATTTCACTGGCAAAAGTAGGTAACAGAGGAGACACAGATTCAGTGCAGGATTTTAT[A>G]TACAATAAAACCTAAAACTAAACTCCACCAAAATGAAATTGTAATAGTCAATGCCTGGCT-3'

ClinVar aggregate classification (germline): Benign. Review status: criteria provided, multiple submitters, no conflicts (2 of 4 stars). 2 submissions from 2 submitters: Benign (2). Last evaluated 2018-01-13.

Conditions:
Arrhythmogenic right ventricular dysplasia 11. Also called: Arrhythmogenic Right Ventricular Dysplasia/Cardiomyopathy11; ARRHYTHMOGENIC RIGHT VENTRICULAR DYSPLASIA, FAMILIAL, 11; Arrhythmogenic right ventricular dysplasia 11 with mild palmoplantar keratoderma and woolly hair. Identifiers: MedGen C1864850, MONDO:0012506, OMIM 610476.

Allele frequency attached by ClinVar (database versions not stated): gnomAD 0.09545 and 0.09730; 1000 Genomes Project 0.10323; gnomAD exomes 0.04873; TOPMed 0.10489; 1000 Genomes Project 30x 0.10509.
gnomAD v4.1: 14,430 of 152,624 alleles (9.5%); highest among the groups gnomAD compares: African/African-American, 18%; 950 homozygotes.

Submissions (2):

Illumina Laboratory Services, Illumina
Classification: Benign for Arrhythmogenic right ventricular dysplasia 11. Last evaluated: 2018-01-13. Review status: criteria provided, single submitter. Criteria: ICSL Variant Classification Criteria 13 December 2019. Collection method: clinical testing. Allele origin: germline.
Comment: This variant was observed in the ICSL laboratory as part of a predisposition screen in an ostensibly healthy population. It had not been previously curated by ICSL or reported in the Human Gene Mutation Database (HGMD: prior to June 1st, 2018), and was therefore a candidate for classification through an automated scoring system. Utilizing variant allele frequency, disease prevalence and penetrance estimates, and inheritance mode, an automated score was calculated to assess if this variant is too frequent to cause the disease. Based on the score and internal cut-off values, a variant classified as benign is not then subjected to further curation. The score for this variant resulted in a classification of benign for this disease.

Breakthrough Genomics
Classification: Benign. Review status: criteria provided, single submitter. Criteria: ACMG Guidelines, 2015. Collection method: not provided. Allele origin: germline. Inheritance: Autosomal dominant inheritance. Affected: yes.